The following is an entry in ClinVar:

NM_001355436.2(SPTB):c.361C>T (p.Gln121Ter)

Gene: SPTB (spectrin beta, erythrocytic; minus strand). Cytogenetic location: 14q23.3.
Variant type: single nucleotide variant.
Coding change: c.361C>T on transcript NM_001355436.2 (MANE Select); coding-DNA position 361, C replaced by T.
Protein change: p.Gln121Ter; replaces glutamine 121 with a stop codon.
Molecular consequence: nonsense.
Genome position (GRCh38, 1-based): chr14:64,803,720, G>A on the plus strand (C>T on the coding strand, the complement: SPTB is on the minus strand). VCF-style: chr14-64803720-G-A. GRCh37 (hg19) VCF-style: chr14-65270438-G-A.
Other names: c.361C>T, p.Gln121Ter (NM_001024858.4, NM_001355437.2); short protein forms Q121*.
Identifiers: ClinVar variation 2982318 (VCV002982318.4), dbSNP rs2503220523, ClinGen allele CA390034997.
Genomic context (GRCh38, chr14:64,803,720, plus strand): 5'-CATCTACAATGTCGTGGGAGCCCATGTTCTCCAGGTGTACACGCTGCTCCTTGAGGAACT[G>A]GAGAGCCTTGTCCACATTCTCCAGGCAGTGGATGCGCATCTTCCCCTTGGTGGGCTTTGG-3'

ClinVar aggregate classification (germline): Pathogenic/Likely pathogenic. Review status: criteria provided, multiple submitters, no conflicts (2 of 4 stars). 2 submissions from 2 submitters: Pathogenic (1); Likely pathogenic (1). Last evaluated 2024-11-27.

Submissions (2):

Revvity Omics, Revvity
Classification: Likely pathogenic. Last evaluated: 2024-11-27. Review status: criteria provided, single submitter. Criteria: ACMG Guidelines, 2015. Collection method: clinical testing. Allele origin: germline.

Labcorp Genetics (formerly Invitae), Labcorp
Classification: Pathogenic. Last evaluated: 2024-01-04. Review status: criteria provided, single submitter. Criteria: Invitae Variant Classification Sherloc (09022015). Collection method: clinical testing. Allele origin: germline.
Comment: This sequence change creates a premature translational stop signal (p.Gln121*) in the SPTB gene. It is expected to result in an absent or disrupted protein product. Loss-of-function variants in SPTB are known to be pathogenic (PMID: 1391962, 1498324, 8844207, 26830532, 27292444). This variant is not present in population databases (gnomAD no frequency). This premature translational stop signal has been observed in individual(s) with hereditary anemia (PMID: 32266426). For these reasons, this variant has been classified as Pathogenic.

Literature cited by the submitters: PubMed 1391962 (cited by Labcorp Genetics (formerly Invitae), Labcorp); PubMed 1498324 (cited by Labcorp Genetics (formerly Invitae), Labcorp); PubMed 8844207 (cited by Labcorp Genetics (formerly Invitae), Labcorp); PubMed 26830532 (cited by Labcorp Genetics (formerly Invitae), Labcorp); PubMed 27292444 (cited by Labcorp Genetics (formerly Invitae), Labcorp); PubMed 32266426 (cited by Labcorp Genetics (formerly Invitae), Labcorp).